The following is an entry in ClinVar:

ClinVar aggregate classification (germline): Uncertain significance. Review status: criteria provided, multiple submitters, no conflicts (2 of 4 stars). 2 submissions from 2 submitters: Uncertain significance (2). Last evaluated 2026-01-14.

Conditions:
Inborn genetic diseases. Identifiers: MedGen C0950123, MeSH D030342.
Mosaic variegated aneuploidy syndrome 2 (MVA2). Identifiers: Orphanet 1052, MedGen C3279843, MONDO:0013582, OMIM 614114.

Allele frequency attached by ClinVar (database versions not stated): gnomAD exomes below 0.00001.
gnomAD v4.1: 1 of 1,613,798 alleles (0.000062%); highest among the groups gnomAD compares: Non-Finnish European, 0.000085%; no homozygotes.

Submissions (2):

Ambry Genetics
Classification: Uncertain significance for Inborn genetic diseases. Last evaluated: 2026-01-14. Review status: criteria provided, single submitter. Criteria: Ambry Variant Classification Scheme 2023. Collection method: clinical testing. Allele origin: germline.
Comment: The p.M289T variant (also known as c.866T>C), located in coding exon 8 of the CEP57 gene, results from a T to C substitution at nucleotide position 866. The methionine at codon 289 is replaced by threonine, an amino acid with similar properties. This amino acid position is conserved. In addition, the in silico prediction for this alteration is inconclusive. Based on the available evidence, the clinical significance of this variant remains unclear.

Labcorp Genetics (formerly Invitae), Labcorp
Classification: Uncertain significance for Mosaic variegated aneuploidy syndrome 2. Last evaluated: 2023-10-16. Review status: criteria provided, single submitter. Criteria: Invitae Variant Classification Sherloc (09022015). Collection method: clinical testing. Allele origin: germline.
Comment: This sequence change replaces methionine, which is neutral and non-polar, with threonine, which is neutral and polar, at codon 289 of the CEP57 protein (p.Met289Thr). This variant is not present in population databases (gnomAD no frequency). This variant has not been reported in the literature in individuals affected with CEP57-related conditions. Advanced modeling of protein sequence and biophysical properties (such as structural, functional, and spatial information, amino acid conservation, physicochemical variation, residue mobility, and thermodynamic stability) performed at Invitae indicates that this missense variant is not expected to disrupt CEP57 protein function. Algorithms developed to predict the effect of sequence changes on RNA splicing suggest that this variant may create or strengthen a splice site. In summary, the available evidence is currently insufficient to determine the role of this variant in disease. Therefore, it has been classified as a Variant of Uncertain Significance.

NM_014679.5(CEP57):c.866T>C (p.Met289Thr)

Gene: CEP57 (centrosomal protein 57; plus strand). Cytogenetic location: 11q21.
Variant type: single nucleotide variant.
Coding change: c.866T>C on transcript NM_014679.5 (MANE Select); coding-DNA position 866, T replaced by C.
Protein change: p.Met289Thr; replaces methionine 289 with threonine.
Molecular consequence: missense variant. On other transcripts: intron variant (1).
Genome position (GRCh38, 1-based): chr11:95,822,557, T>C. VCF-style: chr11-95822557-T-C. GRCh37 (hg19) VCF-style: chr11-95555721-T-C.
Other names: c.839T>C, p.Met280Thr (NM_001243776.2); c.785T>C, p.Met262Thr (NM_001363604.2); c.807+579T>C (NM_001243777.2); c.866T>C (NM_014679.4); short protein forms M289T, M262T, M280T.
Identifiers: ClinVar variation 2895854 (VCV002895854.4), dbSNP rs2496290593, ClinGen allele CA382405812.